The following is an entry in ClinVar:

NM_005676.5(RBM10):c.724+2T>C

Genes: RBM10 (RNA binding motif protein 10; plus strand), LOC126863252 (CDK7 strongly-dependent group 2 enhancer GRCh37_chrX:47037923-47039122; plus strand). Cytogenetic location: Xp11.3.
Variant type: single nucleotide variant.
Coding change: c.724+2T>C on transcript NM_005676.5 (MANE Select); the canonical splice donor site of the intron after coding-DNA position 724, T replaced by C.
Molecular consequence: splice donor variant.
Genome position (GRCh38, 1-based): chrX:47,179,165, T>C. VCF-style: chrX-47179165-T-C. GRCh37 (hg19) VCF-style: chrX-47038564-T-C.
Other names: c.919+2T>C (NM_001204468.2); c.724+2T>C (NM_001204467.2); c.493+2T>C (NM_001204466.2, NM_152856.3).
Identifiers: ClinVar variation 689781 (VCV000689781.3), dbSNP rs1602582334, ClinGen allele CA412796559.

ClinVar aggregate classification (germline): Pathogenic. Review status: criteria provided, multiple submitters, no conflicts (2 of 4 stars). 2 submissions from 2 submitters: Pathogenic (2). Last evaluated 2024-04-01.

Conditions:
TARP syndrome (TARPS). Also called: PIERRE ROBIN SYNDROME WITH CONGENITAL HEART MALFORMATION AND CLUBFOOT; TALIPES EQUINOVARUS, ATRIAL SEPTAL DEFECT, ROBIN SEQUENCE, AND PERSISTENCE OF LEFT SUPERIOR VENA CAVA. Identifiers: Orphanet 2886, MedGen C1839463, MONDO:0010711, OMIM 311900.

Submissions (3):

Daryl Scott Lab, Baylor College of Medicine
Classification: Pathogenic for TARP syndrome. Last evaluated: 2024-04-01. Review status: criteria provided, single submitter. Criteria: ACMG Guidelines, 2015. Collection method: clinical testing. Allele origin: de novo. Affected: yes. Observed: 1 hemizygote.
Comment: PVS1, PS2, PM2

Baylor Genetics
Classification: Pathogenic for TARP syndrome. Last evaluated: 2017-12-31. Review status: criteria provided, single submitter. Criteria: ACMG Guidelines, 2015. Collection method: clinical testing. Allele origin: germline. Affected: yes.

Dr. Peter K. Rogan Lab, Western University
No classification provided (evidence only). Condition: Nonpapillary renal cell carcinoma. Review status: no classification provided. Collection method: in vitro. Allele origin: not applicable. Functional consequence: retained intron. Not counted in ClinVar's aggregate classification.

Literature cited by the submitters: PubMed 24259342 (cited by Baylor Genetics).